The following is an entry in ClinVar:

ClinVar aggregate classification (germline): Conflicting classifications of pathogenicity. Review status: criteria provided, conflicting classifications (1 of 4 stars). 4 submissions from 4 submitters: Uncertain significance (3); Benign (1). Last evaluated 2026-06-12.

Conditions:
Hereditary cancer-predisposing syndrome. Also called: Tumor predisposition; Hereditary Cancer Syndrome; Neoplastic Syndromes, Hereditary; Hereditary neoplastic syndrome. Identifiers: Orphanet 140162, MedGen C0027672, MeSH D009386, MONDO:0015356.
Gorlin syndrome. Also called: Basal cell nevus syndrome; Nevoid Basal Cell Carcinoma Syndrome. Identifiers: Orphanet 377, MedGen C0004779, MONDO:0007187.

Allele frequency attached by ClinVar (database versions not stated): gnomAD exomes 0.00003; ExAC 0.00004; gnomAD 0.00003; TOPMed 0.00001.
gnomAD v4.1: 32 of 1,614,062 alleles (0.002%); highest among the groups gnomAD compares: East Asian, 0.0067%; no homozygotes.

Submissions (4):

Ambry Genetics
Classification: Benign for Hereditary cancer-predisposing syndrome. Last evaluated: 2026-06-12. Review status: criteria provided, single submitter. Criteria: Ambry Variant Classification Scheme 2023. Collection method: clinical testing. Allele origin: germline.

Quest Diagnostics Nichols Institute San Juan Capistrano
Classification: Uncertain significance. Last evaluated: 2025-11-05. Review status: criteria provided, single submitter. Criteria: Quest Diagnostics criteria. Collection method: clinical testing. Allele origin: unknown.
Comment: The PTCH1 c.4312G>A (p.Glu1438Lys) variant has been identified in the published literature in a reportedly unaffected individual (PMID: 29641532 (2018)). The frequency of this variant in the general population (Genome Aggregation Database) is uninformative in the assessment of its pathogenicity. Analysis of this variant using bioinformatics tools for the prediction of the effect of amino acid changes on protein structure and function yielded predictions that this variant is benign. Based on the available information, we are unable to determine the clinical significance of this variant.

Labcorp Genetics (formerly Invitae), Labcorp
Classification: Uncertain significance for Gorlin syndrome. Last evaluated: 2025-10-26. Review status: criteria provided, single submitter. Criteria: Invitae Variant Classification Sherloc (09022015). Collection method: clinical testing. Allele origin: germline.
Comment: This sequence change replaces glutamic acid, which is acidic and polar, with lysine, which is basic and polar, at codon 1438 of the PTCH1 protein (p.Glu1438Lys). This variant is present in population databases (rs768254901, gnomAD 0.01%). This variant has not been reported in the literature in individuals affected with PTCH1-related conditions. ClinVar contains an entry for this variant (Variation ID: 661558). Invitae Evidence Modeling of protein sequence and biophysical properties (such as structural, functional, and spatial information, amino acid conservation, physicochemical variation, residue mobility, and thermodynamic stability) indicates that this missense variant is not expected to disrupt PTCH1 protein function with a negative predictive value of 95%. In summary, the available evidence is currently insufficient to determine the role of this variant in disease. Therefore, it has been classified as a Variant of Uncertain Significance.

Women's Health and Genetics/Laboratory Corporation of America, LabCorp
Classification: Uncertain significance. Last evaluated: 2024-12-24. Review status: criteria provided, single submitter. Criteria: LabCorp Variant Classification Summary - May 2015. Collection method: clinical testing. Allele origin: germline.
Comment: Variant summary: PTCH1 c.4312G>A (p.Glu1438Lys) results in a conservative amino acid change in the encoded protein sequence. Three of five in-silico tools predict a damaging effect of the variant on protein function. The variant allele was found at a frequency of 3.2e-05 in 251246 control chromosomes. The available data on variant occurrences in the general population are insufficient to allow any conclusion about variant significance. To our knowledge, no occurrence of c.4312G>A in individuals affected with Nevoid Basal Cell Carcinoma Syndrome (Gorlin Syndrome) and no experimental evidence demonstrating its impact on protein function have been reported. ClinVar contains an entry for this variant (Variation ID: 661558). Based on the evidence outlined above, the variant was classified as uncertain significance.

Literature cited by the submitters: PubMed 29641532 (cited by Ambry Genetics and Quest Diagnostics Nichols Institute San Juan Capistrano).

NM_000264.5(PTCH1):c.4312G>A (p.Glu1438Lys)

Gene: PTCH1 (patched 1; minus strand). Cytogenetic location: 9q22.32.
Variant type: single nucleotide variant.
Coding change: c.4312G>A on transcript NM_000264.5 (MANE Select); coding-DNA position 4312, G replaced by A.
Protein change: p.Glu1438Lys; replaces glutamic acid 1438 with lysine.
Molecular consequence: missense variant. On other transcripts: non-coding transcript variant (1).
Genome position (GRCh38, 1-based): chr9:95,446,944, C>T on the plus strand (G>A on the coding strand, the complement: PTCH1 is on the minus strand). VCF-style: chr9-95446944-C-T. GRCh37 (hg19) VCF-style: chr9-98209226-C-T.
Other names: c.4114G>A, p.Glu1372Lys (NM_001083602.3); c.4309G>A, p.Glu1437Lys (NM_001083603.3); c.3859G>A, p.Glu1287Lys (NM_001083604.3, NM_001083605.3, NM_001083606.3 and 1 more transcripts); c.4156G>A, p.Glu1386Lys (NM_001354918.2); c.4312G>A (NM_000264.4); short protein forms E1437K, E1386K, E1372K, E1438K, E1287K.
Identifiers: ClinVar variation 661558 (VCV000661558.15), dbSNP rs768254901, ClinGen allele CA5137899.